The following is an entry in ClinVar:

ClinVar aggregate classification (germline): Uncertain significance. Review status: criteria provided, multiple submitters, no conflicts (2 of 4 stars). 4 submissions from 4 submitters: Uncertain significance (4). Last evaluated 2026-01-28.

Conditions:
Glycogen storage disease IXd (GSD9D). Also called: Muscle Phosphorylase Kinase Deficiency; GSD IXd. Identifiers: Orphanet 715, MedGen C1845151, MONDO:0010362, OMIM 300559.
PHKA1-related disorder. Also called: PHKA1-related condition.
Inborn genetic diseases. Identifiers: MedGen C0950123, MeSH D030342.

Allele frequency attached by ClinVar (database versions not stated): gnomAD exomes 0.00005; TOPMed 0.00007; ExAC 0.00008; gnomAD 0.00009 and 0.00010; ESP Exome Variant Server 0.00019.
gnomAD v4.1: 74 of 1,207,769 alleles (0.0061%); highest among the groups gnomAD compares: East Asian, 0.012%; no homozygotes.

Submissions (4):

PreventionGenetics, part of Exact Sciences
Classification: Uncertain significance for PHKA1-related condition. Last evaluated: 2026-01-28. Review status: criteria provided, single submitter. Criteria: ACMG Guidelines, 2015. Collection method: clinical testing. Allele origin: germline.
Comment: The PHKA1 c.2063G>A variant is predicted to result in the amino acid substitution p.Arg688Gln. To our knowledge, this variant has not been reported in the literature. This variant is reported in 0.022% of alleles in individuals of East Asian descent in gnomAD, including two hemizygous individuals, which may be too common to be causative of disease. Although we suspect that this variant may be benign, at this time, the clinical significance of this variant is uncertain due to the absence of conclusive functional and genetic evidence.

Ambry Genetics
Classification: Uncertain significance for Inborn genetic diseases. Last evaluated: 2025-02-01. Review status: criteria provided, single submitter. Criteria: Ambry Variant Classification Scheme 2023. Collection method: clinical testing. Allele origin: germline.

Labcorp Genetics (formerly Invitae), Labcorp
Classification: Uncertain significance for Glycogen storage disease IXd. Last evaluated: 2024-08-08. Review status: criteria provided, single submitter. Criteria: Invitae Variant Classification Sherloc (09022015). Collection method: clinical testing. Allele origin: germline.
Comment: This sequence change replaces arginine, which is basic and polar, with glutamine, which is neutral and polar, at codon 688 of the PHKA1 protein (p.Arg688Gln). This variant is present in population databases (rs201234013, gnomAD 0.02%). This variant has not been reported in the literature in individuals affected with PHKA1-related conditions. ClinVar contains an entry for this variant (Variation ID: 634584). Advanced modeling of protein sequence and biophysical properties (such as structural, functional, and spatial information, amino acid conservation, physicochemical variation, residue mobility, and thermodynamic stability) performed at Invitae indicates that this missense variant is not expected to disrupt PHKA1 protein function with a negative predictive value of 80%. In summary, the available evidence is currently insufficient to determine the role of this variant in disease. Therefore, it has been classified as a Variant of Uncertain Significance.

Genomic Research Center, Shahid Beheshti University of Medical Sciences
Classification: Uncertain significance for Glycogen storage disease IXd. Last evaluated: 2019-01-01. Review status: criteria provided, single submitter. Criteria: ACMG Guidelines, 2015. Collection method: clinical testing. Allele origin: unknown. Affected: yes. Observed: 1 variant allele.

NM_002637.4(PHKA1):c.2063G>A (p.Arg688Gln)

Gene: PHKA1 (phosphorylase kinase regulatory subunit alpha 1; minus strand). Cytogenetic location: Xq13.1.
Variant type: single nucleotide variant.
Coding change: c.2063G>A on transcript NM_002637.4 (MANE Select); coding-DNA position 2063, G replaced by A.
Protein change: p.Arg688Gln; replaces arginine 688 with glutamine.
Molecular consequence: missense variant. On other transcripts: intron variant (1).
Genome position (GRCh38, 1-based): chrX:72,620,799, C>T on the plus strand (G>A on the coding strand, the complement: PHKA1 is on the minus strand). VCF-style: chrX-72620799-C-T. GRCh37 (hg19) VCF-style: chrX-71840649-C-T.
Other names: c.2063G>A, p.Arg688Gln (NM_001122670.2); c.1961-1494G>A (NM_001172436.2); short protein forms R688Q.
Identifiers: ClinVar variation 634584 (VCV000634584.13), dbSNP rs201234013, ClinGen allele CA10450769.